The following is an entry in ClinVar:

ClinVar aggregate classification (germline): Uncertain significance (1 of 4 stars; one submission).

Submission:

GeneDx
Classification: Uncertain significance. Last evaluated: 2024-10-15. Review status: criteria provided, single submitter. Criteria: GeneDx Variant Classification Process June 2021. Collection method: clinical testing. Allele origin: germline. Affected: yes.
Comment: Not observed at significant frequency in large population cohorts (gnomAD); Has not been previously published as pathogenic or benign to our knowledge; Canonical splice site variant in a gene for which loss-of-function is not an established mechanism of disease

NM_006180.6(NTRK2):c.2331+1G>A

Gene: NTRK2 (neurotrophic receptor tyrosine kinase 2; plus strand). Cytogenetic location: 9q21.33.
Variant type: single nucleotide variant.
Coding change: c.2331+1G>A on transcript NM_006180.6 (MANE Select); the canonical splice donor site of the intron after coding-DNA position 2331, G replaced by A.
Molecular consequence: splice donor variant.
Genome position (GRCh38, 1-based): chr9:85,020,365, G>A. VCF-style: chr9-85020365-G-A. GRCh37 (hg19) VCF-style: chr9-87635280-G-A.
Other names: c.2283+1G>A (NM_001369532.1, NM_001369533.1, NM_001018064.3); c.2247+1G>A (NM_001369534.1); c.1863+1G>A (NM_001369536.1); c.1815+1G>A (NM_001369535.1).
Identifiers: ClinVar variation 3781143 (VCV003781143.1).
Genomic context (GRCh38, chr9:85,020,365, plus strand): 5'-GTGTTGTGGGAGATTTTCACCTATGGCAAACAGCCCTGGTACCAGCTGTCAAACAATGAG[G>A]TGTGCAATGGGTCTGGCCAAGACCCTCCAGAGGGCTGAGATCCCAGAGGCATCCATTGGC-3'